The following is an entry in ClinVar:

ClinVar aggregate classification (germline): Uncertain significance (1 of 4 stars; one submission).

Conditions:
Ehlers-Danlos syndrome, type 4 (EDSVASC). Also called: Ehlers-Danlos syndrome vascular type; Ehlers Danlos syndrome, ecchymotic type; Ehlers Danlos syndrome, arterial type; Ehlers Danlos syndrome, Sack-Barabas type; Ehlers-Danlos Syndrome Type IV. Identifiers: Orphanet 286, MedGen C0268338, MONDO:0017314, OMIM 130050.

gnomAD v4.1: 1 of 1,613,102 alleles (0.000062%); highest among the groups gnomAD compares: South Asian, 0.0011%; no homozygotes.

Submission:

All of Us Research Program, National Institutes of Health
Classification: Uncertain significance for Ehlers-Danlos syndrome, type 4. Last evaluated: 2024-07-20. Review status: criteria provided, single submitter. Criteria: ACMG Guidelines, 2015. Collection method: clinical testing. Allele origin: germline. Inheritance: Autosomal dominant inheritance. Observed: 1 variant allele, 1 heterozygote.
Comment: This missense variant replaces glutamic acid with valine at codon 83 of the COL3A1 protein. Computational prediction suggests that this variant may have deleterious impact on protein structure and function (internally defined REVEL score threshold >= 0.7, PMID: 27666373). To our knowledge, functional studies have not been reported for this variant. This variant has not been reported in individuals affected with COL3A1-related disorders in the literature. This variant has not been identified in the general population by the Genome Aggregation Database (gnomAD). The available evidence is insufficient to determine the role of this variant in disease conclusively. Therefore, this variant is classified as a Variant of Uncertain Significance.

This study involves interpretation of variants in research participants for the purpose of population health screening. Participant phenotype was not available at the time of variant classification. Additional details can be found in publication PMID: 35346344, PMCID: PMC8962531

NM_000090.4(COL3A1):c.248A>T (p.Glu83Val)

Gene: COL3A1 (collagen type III alpha 1 chain; plus strand). Cytogenetic location: 2q32.2.
Variant type: single nucleotide variant.
Coding change: c.248A>T on transcript NM_000090.4 (MANE Select); coding-DNA position 248, A replaced by T.
Protein change: p.Glu83Val; replaces glutamic acid 83 with valine.
Molecular consequence: missense variant.
Genome position (GRCh38, 1-based): chr2:188,984,928, A>T. VCF-style: chr2-188984928-A-T. GRCh37 (hg19) VCF-style: chr2-189849654-A-T.
Other names: short protein forms E83V.
Identifiers: ClinVar variation 3386428 (VCV003386428.1).